The following is an entry in ClinVar:

ClinVar aggregate classification (germline): Uncertain significance. Review status: criteria provided, multiple submitters, no conflicts (2 of 4 stars). 2 submissions from 2 submitters: Uncertain significance (2). Last evaluated 2025-08-09.

Conditions:
Hereditary cancer-predisposing syndrome. Also called: Neoplastic Syndromes, Hereditary; Tumor predisposition; Hereditary Cancer Syndrome; Hereditary neoplastic syndrome. Identifiers: Orphanet 140162, MedGen C0027672, MeSH D009386, MONDO:0015356.
Pheochromocytoma. Also called: MAX-Related Hereditary Paraganglioma-Pheochromocytoma Syndrome. Identifiers: Orphanet 29072, MedGen C0031511, MONDO:0008233, OMIM 171300, HP:0002666.
Pheochromocytoma/paraganglioma syndrome 4. Also called: CAROTID BODY TUMORS AND MULTIPLE EXTRAADRENAL PHEOCHROMOCYTOMAS; PARAGANGLIOMA, FAMILIAL MALIGNANT; PARAGANGLIOMAS, HEREDITARY EXTRAADRENAL; PHEOCHROMOCYTOMA, FAMILIAL EXTRAADRENAL; Paragangliomas 4; SDHB-Related Hereditary Paraganglioma-Pheochromocytoma Syndrome (Paragangliomas 4). Identifiers: Orphanet 29072, MedGen C1861848, MONDO:0007273, OMIM 115310.
Gastrointestinal stromal tumor. Also called: Gastrointestinal stromal tumor, somatic; Gastrointestinal stroma tumor. Identifiers: Orphanet 44890, MedGen C0238198, MeSH D046152, MONDO:0011719, OMIM 606764, HP:0100723.

Submissions (2):

Ambry Genetics
Classification: Uncertain significance for Hereditary cancer-predisposing syndrome. Last evaluated: 2025-08-09. Review status: criteria provided, single submitter. Criteria: Ambry Variant Classification Scheme 2023. Collection method: clinical testing. Allele origin: germline.
Comment: The p.K167Q variant (also known as c.499A>C), located in coding exon 5 of the SDHB gene, results from an A to C substitution at nucleotide position 499. The lysine at codon 167 is replaced by glutamine, an amino acid with similar properties. This amino acid position is conserved. In addition, the in silico prediction for this alteration is inconclusive. Based on the available evidence, the clinical significance of this variant remains unclear.

Labcorp Genetics (formerly Invitae), Labcorp
Classification: Uncertain significance for Gastrointestinal stromal tumor; Pheochromocytoma/paraganglioma syndrome 4; Pheochromocytoma. Last evaluated: 2024-10-12. Review status: criteria provided, single submitter. Criteria: Invitae Variant Classification Sherloc (09022015). Collection method: clinical testing. Allele origin: germline.
Comment: This sequence change replaces lysine, which is basic and polar, with glutamine, which is neutral and polar, at codon 167 of the SDHB protein (p.Lys167Gln). This variant is not present in population databases (gnomAD no frequency). This variant has not been reported in the literature in individuals affected with SDHB-related conditions. Invitae Evidence Modeling of protein sequence and biophysical properties (such as structural, functional, and spatial information, amino acid conservation, physicochemical variation, residue mobility, and thermodynamic stability) indicates that this missense variant is not expected to disrupt SDHB protein function with a negative predictive value of 80%. In summary, the available evidence is currently insufficient to determine the role of this variant in disease. Therefore, it has been classified as a Variant of Uncertain Significance.

NM_003000.3(SDHB):c.499A>C (p.Lys167Gln)

Gene: SDHB (succinate dehydrogenase complex iron sulfur subunit B; minus strand). Cytogenetic location: 1p36.13.
Variant type: single nucleotide variant.
Coding change: c.499A>C on transcript NM_003000.3 (MANE Select); coding-DNA position 499, A replaced by C.
Protein change: p.Lys167Gln; replaces lysine 167 with glutamine.
Molecular consequence: missense variant.
Genome position (GRCh38, 1-based): chr1:17,027,790, T>G on the plus strand (A>C on the coding strand, the complement: SDHB is on the minus strand). VCF-style: chr1-17027790-T-G. GRCh37 (hg19) VCF-style: chr1-17354285-T-G.
Other names: c.445A>C, p.Lys149Gln (NM_001407361.1); short protein forms K149Q, K167Q.
Identifiers: ClinVar variation 3763113 (VCV003763113.3).